The following is an entry in ClinVar:

ClinVar aggregate classification (germline): Likely benign (0 of 4 stars; one submission).

Conditions:
ANKFY1-related disorder. Also called: ANKFY1-related condition.

Allele frequency attached by ClinVar (database versions not stated): TOPMed 0.00042; gnomAD 0.00044; ExAC 0.00045; gnomAD exomes 0.00075; ESP Exome Variant Server 0.00082.
gnomAD v4.1: 1,143 of 1,614,114 alleles (0.071%); highest among the groups gnomAD compares: Non-Finnish European, 0.093%; 1 homozygote.

Submission:

PreventionGenetics, part of Exact Sciences
Classification: Likely benign for ANKFY1-related condition. Last evaluated: 2019-07-10. Review status: no assertion criteria provided. Collection method: clinical testing. Allele origin: germline.
Comment: This variant is classified as likely benign based on ACMG/AMP sequence variant interpretation guidelines (Richards et al. 2015 PMID: 25741868, with internal and published modifications).

NM_001330063.2(ANKFY1):c.2286A>G (p.Glu762=)

Gene: ANKFY1 (ankyrin repeat and FYVE domain containing 1; minus strand). Cytogenetic location: 17p13.2.
Variant type: single nucleotide variant.
Coding change: c.2286A>G on transcript NM_001330063.2 (MANE Select); coding-DNA position 2286, A replaced by G.
Protein change: p.Glu762=; no amino-acid change (glutamic acid 762 retained).
Molecular consequence: synonymous variant. On other transcripts: non-coding transcript variant (1).
Genome position (GRCh38, 1-based): chr17:4,179,832, T>C on the plus strand (A>G on the coding strand, the complement: ANKFY1 is on the minus strand). VCF-style: chr17-4179832-T-C. GRCh37 (hg19) VCF-style: chr17-4083127-T-C.
Other names: c.2412A>G, p.Glu804= (NM_001257999.3); c.2289A>G, p.Glu763= (NM_016376.5).
Identifiers: ClinVar variation 3049397 (VCV003049397.2), dbSNP rs199550762, ClinGen allele CA8301174.